The following is an entry in ClinVar:

ClinVar aggregate classification (germline): Uncertain significance (1 of 4 stars; one submission).

Conditions:
Combined oxidative phosphorylation defect type 17. Also called: Combined oxidative phosphorylation deficiency 17. Identifiers: Orphanet 369913, MedGen C3809526, MONDO:0014190, OMIM 615440.

Submission:

Labcorp Genetics (formerly Invitae), Labcorp
Classification: Uncertain significance for Combined oxidative phosphorylation defect type 17. Last evaluated: 2023-03-31. Review status: criteria provided, single submitter. Criteria: Invitae Variant Classification Sherloc (09022015). Collection method: clinical testing. Allele origin: germline.
Comment: In summary, the available evidence is currently insufficient to determine the role of this variant in disease. Therefore, it has been classified as a Variant of Uncertain Significance. Advanced modeling of protein sequence and biophysical properties (such as structural, functional, and spatial information, amino acid conservation, physicochemical variation, residue mobility, and thermodynamic stability) performed at Invitae indicates that this missense variant is expected to disrupt ELAC2 protein function. ClinVar contains an entry for this variant (Variation ID: 1419527). This variant has not been reported in the literature in individuals affected with ELAC2-related conditions. This variant is not present in population databases (gnomAD no frequency). This sequence change replaces alanine, which is neutral and non-polar, with glutamic acid, which is acidic and polar, at codon 73 of the ELAC2 protein (p.Ala73Glu).

NM_018127.7(ELAC2):c.218C>A (p.Ala73Glu)

Gene: ELAC2 (elaC ribonuclease Z 2; minus strand). Cytogenetic location: 17p12.
Variant type: single nucleotide variant.
Coding change: c.218C>A on transcript NM_018127.7 (MANE Select); coding-DNA position 218, C replaced by A.
Protein change: p.Ala73Glu; replaces alanine 73 with glutamic acid.
Molecular consequence: missense variant.
Genome position (GRCh38, 1-based): chr17:13,017,730, G>T on the plus strand (C>A on the coding strand, the complement: ELAC2 is on the minus strand). VCF-style: chr17-13017730-G-T. GRCh37 (hg19) VCF-style: chr17-12921047-G-T.
Other names: c.218C>A, p.Ala73Glu (NM_001165962.2, NM_173717.2); short protein forms A73E.
Identifiers: ClinVar variation 1419527 (VCV001419527.6), dbSNP rs2143696607, ClinGen allele CA398218932.